The following is an entry in ClinVar:

NM_000642.3(AGL):c.2505A>G (p.Ile835Met)

Gene: AGL (amylo-alpha-1,6-glucosidase and 4-alpha-glucanotransferase; plus strand). Cytogenetic location: 1p21.2.
Variant type: single nucleotide variant.
Coding change: c.2505A>G on transcript NM_000642.3 (MANE Select); coding-DNA position 2505, A replaced by G.
Protein change: p.Ile835Met; replaces isoleucine 835 with methionine.
Molecular consequence: missense variant.
Genome position (GRCh38, 1-based): chr1:99,884,410, A>G. VCF-style: chr1-99884410-A-G. GRCh37 (hg19) VCF-style: chr1-100349966-A-G.
Other names: c.2505A>G, p.Ile835Met (NM_000028.3, NM_000643.3, NM_000644.3 and 2 more transcripts); c.2457A>G, p.Ile819Met (NM_000646.3); c.2304A>G, p.Ile768Met (NM_001425327.1); c.2301A>G, p.Ile767Met (NM_001425328.1, NM_001425329.1); c.2127A>G, p.Ile709Met (NM_001425332.1); short protein forms I835M, I819M, I709M, I767M, I768M.
Identifiers: ClinVar variation 942430 (VCV000942430.15), dbSNP rs1652287991, ClinGen allele CA341321291.

ClinVar aggregate classification (germline): Uncertain significance. Review status: criteria provided, multiple submitters, no conflicts (2 of 4 stars). 3 submissions from 3 submitters: Uncertain significance (2). 1 of the submissions does not count toward it. Last evaluated 2025-05-02.

Conditions:
Inborn genetic diseases. Identifiers: MedGen C0950123, MeSH D030342.
Glycogen storage disease type III (GSD3). Also called: Cori disease; FORBES DISEASE. Identifiers: Orphanet 366, MedGen C0017922, MONDO:0009291, OMIM 232400.

Submissions (3):

Ambry Genetics
Classification: Uncertain significance for Inborn genetic diseases. Last evaluated: 2025-05-02. Review status: criteria provided, single submitter. Criteria: Ambry Variant Classification Scheme 2023. Collection method: clinical testing. Allele origin: germline.

Labcorp Genetics (formerly Invitae), Labcorp
Classification: Uncertain significance for Glycogen storage disease type III. Last evaluated: 2019-06-28. Review status: criteria provided, single submitter. Criteria: Invitae Variant Classification Sherloc (09022015). Collection method: clinical testing. Allele origin: germline.
Comment: This sequence change replaces isoleucine with methionine at codon 835 of the AGL protein (p.Ile835Met). The isoleucine residue is moderately conserved and there is a small physicochemical difference between isoleucine and methionine. This variant is not present in population databases (ExAC no frequency). This variant has not been reported in the literature in individuals with AGL-related conditions. Algorithms developed to predict the effect of missense changes on protein structure and function are either unavailable or do not agree on the potential impact of this missense change (SIFT: "Deleterious"; PolyPhen-2: "Probably Damaging"; Align-GVGD: "Class C0"). In summary, the available evidence is currently insufficient to determine the role of this variant in disease. Therefore, it has been classified as a Variant of Uncertain Significance.

Natera, Inc.
Classification: Uncertain significance for Glycogen storage disease type III. Last evaluated: 2021-05-06. Review status: no assertion criteria provided. Collection method: clinical testing. Allele origin: germline. Not counted in ClinVar's aggregate classification.